The following is an entry in ClinVar:

NM_182961.4(SYNE1):c.1113A>G (p.Pro371=)

Gene: SYNE1 (spectrin repeat containing nuclear envelope protein 1; minus strand). Cytogenetic location: 6q25.2.
Variant type: single nucleotide variant.
Coding change: c.1113A>G on transcript NM_182961.4 (MANE Select); coding-DNA position 1113, A replaced by G.
Protein change: p.Pro371=; no amino-acid change (proline 371 retained).
Molecular consequence: synonymous variant.
Genome position (GRCh38, 1-based): chr6:152,484,907, T>C on the plus strand (A>G on the coding strand, the complement: SYNE1 is on the minus strand). VCF-style: chr6-152484907-T-C. GRCh37 (hg19) VCF-style: chr6-152806042-T-C.
Other names: c.1134A>G, p.Pro378= (NM_033071.5); c.1113A>G (NM_182961.2).
Identifiers: ClinVar variation 285335 (VCV000285335.21), dbSNP rs374376301, ClinGen allele CA4059515.

ClinVar aggregate classification (germline): Benign. Review status: criteria provided, multiple submitters, no conflicts (2 of 4 stars). 7 submissions from 6 submitters: Benign (7). Last evaluated 2025-12-21.

Conditions:
Emery-Dreifuss muscular dystrophy 4, autosomal dominant (EDMD4). Also called: EMERY-DREIFUSS MUSCULAR DYSTROPHY 4 WITH VARIABLE FEATURES. Identifiers: Orphanet 261, MedGen C2751807, MONDO:0013071, OMIM 612998.
Autosomal recessive ataxia, Beauce type. Also called: Spinocerebellar ataxia, autosomal recessive 8; ATAXIA, RECESSIVE, OF BEAUCE; SYNE1-Related Autosomal Recessive Cerebellar Ataxia; SYNE1 Deficiency. Identifiers: Orphanet 88644, MedGen C1853116, MONDO:0012549, OMIM 610743.
SYNE1-related disorder. Also called: SYNE1-related disorders; SYNE1-related disease; SYNE1-related condition.

Allele frequency attached by ClinVar (database versions not stated): gnomAD 0.00005 and 0.00075; TOPMed 0.00018; gnomAD exomes 0.00166 and 0.00340; ExAC 0.00400; 1000 Genomes Project 30x 0.00437; 1000 Genomes Project 0.00519.
gnomAD v4.1: 2,540 of 1,613,856 alleles (0.16%); highest among the groups gnomAD compares: South Asian, 2.6%; 51 homozygotes.

Submissions (7):

Labcorp Genetics (formerly Invitae), Labcorp
Classification: Benign for Emery-Dreifuss muscular dystrophy 4, autosomal dominant; Autosomal recessive ataxia, Beauce type. Last evaluated: 2025-12-21. Review status: criteria provided, single submitter. Criteria: Invitae Variant Classification Sherloc (09022015). Collection method: clinical testing. Allele origin: germline.

PreventionGenetics, part of Exact Sciences
Classification: Benign for SYNE1-related condition. Last evaluated: 2025-05-13. Review status: criteria provided, single submitter. Criteria: ACMG Guidelines, 2015. Collection method: clinical testing. Allele origin: germline.
Comment: This variant is classified as benign based on ACMG/AMP sequence variant interpretation guidelines (Richards et al. 2015 PMID: 25741868, with internal and published modifications).

Athena Diagnostics
Classification: Benign. Last evaluated: 2024-12-24. Review status: criteria provided, single submitter. Criteria: Athena Diagnostics Criteria. Collection method: clinical testing. Allele origin: unknown.
Comment: The frequency of this variant in the general population is higher than would generally be expected for pathogenic variants in this gene.

Illumina Laboratory Services, Illumina
Classification: Benign for Emery-Dreifuss muscular dystrophy 4, autosomal dominant. Last evaluated: 2018-01-13. Review status: criteria provided, single submitter. Criteria: ICSL Variant Classification Criteria 13 December 2019. Collection method: clinical testing. Allele origin: germline.
Comment: This variant was observed in the ICSL laboratory as part of a predisposition screen in an ostensibly healthy population. It had not been previously curated by ICSL or reported in the Human Gene Mutation Database (HGMD: prior to June 1st, 2018), and was therefore a candidate for classification through an automated scoring system. Utilizing variant allele frequency, disease prevalence and penetrance estimates, and inheritance mode, an automated score was calculated to assess if this variant is too frequent to cause the disease. Based on the score and internal cut-off values, a variant classified as benign is not then subjected to further curation. The score for this variant resulted in a classification of benign for this disease.

Illumina Laboratory Services, Illumina
Classification: Benign for Autosomal recessive ataxia, Beauce type. Last evaluated: 2018-01-13. Review status: criteria provided, single submitter. Criteria: ICSL Variant Classification Criteria 13 December 2019. Collection method: clinical testing. Allele origin: germline.
Comment: the same text as in the submission from Illumina Laboratory Services, Illumina above.

GeneDx
Classification: Benign. Last evaluated: 2017-04-19. Review status: criteria provided, single submitter. Criteria: GeneDx Variant Classification (06012015). Collection method: clinical testing. Allele origin: germline. Affected: yes.
Comment: This variant is considered likely benign or benign based on one or more of the following criteria: it is a conservative change, it occurs at a poorly conserved position in the protein, it is predicted to be benign by multiple in silico algorithms, and/or has population frequency not consistent with disease.

Eurofins Ntd Llc (ga)
Classification: Benign. Last evaluated: 2016-01-08. Review status: criteria provided, single submitter. Criteria: EGL Classification Definitions 2015. Collection method: clinical testing. Allele origin: germline. Observed: 2 variant alleles, 2 heterozygotes.